The following is an entry in ClinVar:

ClinVar aggregate classification (germline): Likely benign. Review status: criteria provided, single submitter (1 of 4 stars). 2 submissions from 2 submitters: Likely benign (1). 1 of the submissions does not count toward it. Last evaluated 2025-02-20.

Allele frequency attached by ClinVar (database versions not stated): gnomAD exomes 0.00005; TOPMed 0.00006; gnomAD 0.00007; ExAC 0.00009.
gnomAD v4.1: 110 of 1,613,816 alleles (0.0068%); highest among the groups gnomAD compares: Non-Finnish European, 0.009%; no homozygotes.

Submissions (2):

Labcorp Genetics (formerly Invitae), Labcorp
Classification: Likely benign. Last evaluated: 2025-02-20. Review status: criteria provided, single submitter. Criteria: Invitae Variant Classification Sherloc (09022015). Collection method: clinical testing. Allele origin: germline.

Martin Pollak Laboratory,  Beth Israel Deaconess Medical Center
Classification: Uncertain significance. Review status: no assertion criteria provided. Collection method: not provided. Allele origin: unknown. Not counted in ClinVar's aggregate classification.
Comment: Higher UCa2+ group
ClinVar note: Converted during submission from unknown to Uncertain significance.

NM_000376.3(VDR):c.238C>A (p.Arg80=)

Gene: VDR (vitamin D receptor; minus strand). Cytogenetic location: 12q13.11.
Variant type: single nucleotide variant.
Coding change: c.238C>A on transcript NM_000376.3 (MANE Select); coding-DNA position 238, C replaced by A.
Protein change: p.Arg80=; no amino-acid change (arginine 80 retained).
Molecular consequence: synonymous variant.
Genome position (GRCh38, 1-based): chr12:47,865,086, G>T on the plus strand (C>A on the coding strand, the complement: VDR is on the minus strand). VCF-style: chr12-47865086-G-T. GRCh37 (hg19) VCF-style: chr12-48258869-G-T.
Other names: c.238C>A, p.Arg80= (NM_001017535.2, NM_001364085.2, NM_001374661.1 and 1 more transcripts); c.388C>A, p.Arg130= (NM_001017536.2).
Identifiers: ClinVar variation 64424 (VCV000064424.6), dbSNP rs387907554, ClinGen allele CA216110.
Genomic context (GRCh38, chr12:47,865,086, plus strand): 5'-GCCCAGCCCCTGGACACTCACACTCCTTCATCATGCCGATGTCCACACAGCGTTTGAGCC[G>T]GCAGGCCTGGCAGTGGCGTCGGTTGTCCTTGGTGATGCGGCAGTCCCCGTTGAAGGGGCA-3'
Protein context (NP_000367.1, residues 70-90): KDNRRHCQAC[Arg80=]LKRCVDIGMM